The following is an entry in ClinVar:

ClinVar aggregate classification (germline): Pathogenic (0 of 4 stars; one submission).

Conditions:
Cardiac anomalies - developmental delay - facial dysmorphism syndrome (MRFACD). Also called: Impaired intellectual development and distinctive facial features with or without cardiac defects; MED13L Syndrome. Identifiers: Orphanet 369891, MedGen C5192431, MONDO:0014773, OMIM 616789.

Submission:

Baylor Genetics
Classification: Pathogenic for Cardiac anomalies - developmental delay - facial dysmorphism syndrome. Last evaluated: 2015-08-24. Review status: no assertion criteria provided. Collection method: clinical testing. Allele origin: de novo. Inheritance: Autosomal dominant inheritance. Affected: yes. Observed: 1 variant allele, 1 heterozygote.
Comment: New evidence suggests that haploinsufficiency of MED13L can cause intellectual disability, developmental delay, facial abnormalities, hypotonia, and autism (PMID 24781760, 25356899, 25167861, 22542183, 23403903, 24901346).

NM_015335.5(MED13L):c.4956-2A>C

Gene: MED13L (mediator complex subunit 13L; minus strand). Cytogenetic location: 12q24.21.
Variant type: single nucleotide variant.
Coding change: c.4956-2A>C on transcript NM_015335.5 (MANE Select); the canonical splice acceptor site of the intron before coding-DNA position 4956, A replaced by C.
Molecular consequence: splice acceptor variant.
Genome position (GRCh38, 1-based): chr12:115,982,605, T>G on the plus strand (A>C on the coding strand, the complement: MED13L is on the minus strand). VCF-style: chr12-115982605-T-G. GRCh37 (hg19) VCF-style: chr12-116420410-T-G.
Identifiers: ClinVar variation 374334 (VCV000374334.2), dbSNP rs1057518705, ClinGen allele CA16043677.